The following is an entry in ClinVar:

ClinVar aggregate classification (germline): Uncertain significance. Review status: criteria provided, multiple submitters, no conflicts (2 of 4 stars). 2 submissions from 2 submitters: Uncertain significance (2). Last evaluated 2023-12-12.

Allele frequency attached by ClinVar (database versions not stated): ExAC 0.00001; gnomAD exomes 0.00001; TOPMed 0.00001; gnomAD 0.00002.
gnomAD v4.1: 25 of 1,613,858 alleles (0.0015%); highest among the groups gnomAD compares: Middle Eastern, 0.016%; no homozygotes.

Submissions (2):

Blueprint Genetics
Classification: Uncertain significance. Last evaluated: 2023-12-12. Review status: criteria provided, single submitter. Criteria: ACMG Guidelines, 2015. Collection method: clinical testing. Allele origin: germline.

Labcorp Genetics (formerly Invitae), Labcorp
Classification: Uncertain significance. Last evaluated: 2021-10-23. Review status: criteria provided, single submitter. Criteria: Invitae Variant Classification Sherloc (09022015). Collection method: clinical testing. Allele origin: germline.
Comment: In summary, the available evidence is currently insufficient to determine the role of this variant in disease. Therefore, it has been classified as a Variant of Uncertain Significance. Variants that disrupt the consensus splice site are a relatively common cause of aberrant splicing (PMID: 17576681, 9536098). Algorithms developed to predict the effect of sequence changes on RNA splicing suggest that this variant may disrupt the consensus splice site. This variant has not been reported in the literature in individuals affected with ICK-related conditions. This variant is present in population databases (rs753577509, ExAC 0.001%). This sequence change affects codon 384 of the ICK mRNA. It is a 'silent' change, meaning that it does not change the encoded amino acid sequence of the ICK protein. This variant also falls at the last nucleotide of exon 10, which is part of the consensus splice site for this exon.

Literature cited by the submitters: PubMed 17576681 (cited by Labcorp Genetics (formerly Invitae), Labcorp); PubMed 9536098 (cited by Labcorp Genetics (formerly Invitae), Labcorp).

NM_014920.5(CILK1):c.1152G>A (p.Ser384=)

Gene: CILK1 (ciliogenesis associated kinase 1; minus strand). Cytogenetic location: 6p12.1.
Variant type: single nucleotide variant.
Coding change: c.1152G>A on transcript NM_014920.5 (MANE Select); coding-DNA position 1152, G replaced by A.
Protein change: p.Ser384=; no amino-acid change (serine 384 retained).
Molecular consequence: synonymous variant. On other transcripts: non-coding transcript variant (1).
Genome position (GRCh38, 1-based): chr6:53,013,662, C>T on the plus strand (G>A on the coding strand, the complement: CILK1 is on the minus strand). VCF-style: chr6-53013662-C-T. GRCh37 (hg19) VCF-style: chr6-52878460-C-T.
Other names: c.1152G>A, p.Ser384= (NM_001375397.1, NM_001375398.1, NM_001375399.1 and 4 more transcripts).
Identifiers: ClinVar variation 1680545 (VCV001680545.7), dbSNP rs753577509, ClinGen allele CA3858621.